The following is an entry in ClinVar:

NM_004329.3(BMPR1A):c.1A>C (p.Met1Leu)

Gene: BMPR1A (bone morphogenetic protein receptor type 1A; plus strand). Cytogenetic location: 10q23.2.
Variant type: single nucleotide variant.
Coding change: c.1A>C on transcript NM_004329.3 (MANE Select); coding-DNA position 1, A replaced by C.
Protein change: p.Met1Leu; changes the start codon (methionine 1).
Molecular consequence: missense variant, initiator codon variant.
Genome position (GRCh38, 1-based): chr10:86,876,019, A>C. VCF-style: chr10-86876019-A-C. GRCh37 (hg19) VCF-style: chr10-88635776-A-C.
Other names: short protein forms M1L.
Identifiers: ClinVar variation 429102 (VCV000429102.10), dbSNP rs786203157, ClinGen allele CA377774739.
Genomic context (GRCh38, chr10:86,876,019, plus strand): 5'-GTGAAGTAGCAAGACCAATTATTAAAGGTGACAGTACACAGGAAACATTACAATTGAACA[A>C]TGCCTCAGCTATACATTTACATCAGATTATTGGGAGCCTATTTGTTCATCATTTCTCGTG-3'
Protein context (NP_004320.2, residues 1-11): [Met1Leu]PQLYIYIRLL

ClinVar aggregate classification (germline): Pathogenic/Likely pathogenic. Review status: criteria provided, multiple submitters, no conflicts (2 of 4 stars). 3 submissions from 3 submitters: Pathogenic (1); Likely pathogenic (2). Last evaluated 2023-05-25.

Conditions:
Juvenile polyposis syndrome (JPS). Identifiers: Orphanet 2929, MedGen C0345893, MONDO:0017380, OMIM 174900.
Hereditary cancer-predisposing syndrome. Also called: Hereditary neoplastic syndrome; Tumor predisposition; Neoplastic Syndromes, Hereditary; Hereditary Cancer Syndrome. Identifiers: Orphanet 140162, MedGen C0027672, MeSH D009386, MONDO:0015356.

Submissions (3):

Myriad Genetics, Inc.
Classification: Likely pathogenic for Juvenile polyposis syndrome. Last evaluated: 2023-05-25. Review status: criteria provided, single submitter. Criteria: Myriad Autosomal Dominant, Autosomal Recessive and X-Linked Classification Criteria (2023). Collection method: clinical testing. Allele origin: unknown.
Comment: This variant is considered likely pathogenic. This variant is located within the gene translation start codon (p.Met1?) and is predicted to result in abnormal protein translation.

Color Diagnostics, LLC DBA Color Health
Classification: Likely pathogenic for Hereditary cancer-predisposing syndrome. Last evaluated: 2020-05-29. Review status: criteria provided, single submitter. Criteria: ACMG Guidelines, 2015. Collection method: clinical testing. Allele origin: germline.
Comment: This variant results in the loss of the translation start codon of the BMPR1A gene. The next in-frame methionine occurs at codon 29 that if used would delete the N-terminal signal peptide sequence (a.a. 1-23). The signal peptide motif is required for membrane-localization of the protein (PMID: 23433720). One study has shown that cells transfected with a construct containing this variant lacked the full-length BMPR1A protein product (PMID: 23433720). A protein product mislocalized to the cytoplasm was detected, but this study was inconclusive regarding the ability of the cytoplasmic protein to transduce BMP signaling. This variant has not been identified in the general population by the Genome Aggregation Database (gnomAD) and has been reported in an individual affected with juvenile polyposis (PMID: 18823382). Different variants that also result in the loss of p.Met1 have reported as disease-causing in ClinVar (variation ID: 186704, 224521, 653050, 824482, 843741), suggesting that this codon is important for protein expression and/or function. Loss of BMPR1A function is a known mechanism of disease. Based on the available evidence, this variant is classified as Likely Pathogenic.

Ambry Genetics
Classification: Pathogenic for Hereditary cancer-predisposing syndrome. Last evaluated: 2019-10-31. Review status: criteria provided, single submitter. Criteria: Ambry Autosomal Dominant and X-Linked criteria (3/2017). Collection method: clinical testing. Allele origin: germline. Observed: 1 variant allele.
Comment: Ã¢â‚¬â€¹The p.M1L pathogenic mutation (also known as c.1A>C) is located in coding exon 1 of the BMPR1A gene and results from an A to C substitution at nucleotide position 1. This changes the amino acid from a methionine to a leucine at the initiation codon. This mutation has been described in a patient with sporadic juvenile polyposis (Calva-Cerqueira D. et al. Clin Genet. 2009 Jan;75(1):79-85). Functional studies for this variant are conflicting with aberrant subcellular localization, intact bone morphogenetic protein (BMP) signaling, and reduced BMPR1A protein expression being demonstrated; however, BMPR1A protein may have failed to be detected due to a loss of the N-terminal portion of the protein with use of an alternate downstream start codon (Howe JR et al. J. Surg. Res., 2013 Oct;184:739-45). In addition to the clinical data presented in the literature, since sequence variations that modify the initiation codon (ATG) are expected to result in either loss of translation initiation, N-terminal truncation, or cause a shift in the mRNA reading frame, this alteration is interpreted as a disease-causing mutation.

Literature cited by the submitters: PubMed 18823382 (cited by Ambry Genetics); PubMed 23433720 (cited by Ambry Genetics).